The following is an entry in ClinVar:

NM_002693.3(POLG):c.46C>T (p.Pro16Ser)

Genes: POLG (DNA polymerase gamma, catalytic subunit; minus strand), POLGARF (POLG alternative reading frame; minus strand). Cytogenetic location: 15q26.1.
Variant type: single nucleotide variant.
Coding change: c.46C>T on transcript NM_002693.3 (MANE Select); coding-DNA position 46, C replaced by T.
Protein change: p.Pro16Ser; replaces proline 16 with serine.
Molecular consequence: missense variant.
Genome position (GRCh38, 1-based): chr15:89,333,709, G>A on the plus strand (C>T on the coding strand, the complement: POLG is on the minus strand). VCF-style: chr15-89333709-G-A. GRCh37 (hg19) VCF-style: chr15-89876940-G-A.
Other names: c.46C>T, p.Pro16Ser (NM_001126131.2); short protein forms P16S.
Identifiers: ClinVar variation 2707679 (VCV002707679.3), dbSNP rs1223347965, ClinGen allele CA393775183.

ClinVar aggregate classification (germline): Uncertain significance (1 of 4 stars; one submission).

Conditions:
Progressive sclerosing poliodystrophy (MTDPS4A). Also called: ALPERS PROGRESSIVE INFANTILE POLIODYSTROPHY; NEURONAL DEGENERATION OF CHILDHOOD WITH LIVER DISEASE, PROGRESSIVE; Mitochondrial DNA depletion syndrome 4A (Alpers type); Mitochondrial DNA Depletion Syndrome 4A; Alpers-Huttenlocher Syndrome (AHS); Alpers Syndrome. Identifiers: Orphanet 726, MedGen C0205710, MONDO:0008758, OMIM 203700.

Submission:

Labcorp Genetics (formerly Invitae), Labcorp
Classification: Uncertain significance for Progressive sclerosing poliodystrophy. Last evaluated: 2024-01-05. Review status: criteria provided, single submitter. Criteria: Invitae Variant Classification Sherloc (09022015). Collection method: clinical testing. Allele origin: germline.
Comment: This sequence change replaces proline, which is neutral and non-polar, with serine, which is neutral and polar, at codon 16 of the POLG protein (p.Pro16Ser). This variant is not present in population databases (gnomAD no frequency). This variant has not been reported in the literature in individuals affected with POLG-related conditions. Advanced modeling of protein sequence and biophysical properties (such as structural, functional, and spatial information, amino acid conservation, physicochemical variation, residue mobility, and thermodynamic stability) performed at Invitae indicates that this missense variant is not expected to disrupt POLG protein function with a negative predictive value of 95%. In summary, the available evidence is currently insufficient to determine the role of this variant in disease. Therefore, it has been classified as a Variant of Uncertain Significance.